The following is an entry in ClinVar:

NM_001081.4(CUBN):c.4283G>C (p.Ser1428Thr)

Gene: CUBN (cubilin; minus strand). Cytogenetic location: 10p13.
Variant type: single nucleotide variant.
Coding change: c.4283G>C on transcript NM_001081.4 (MANE Select); coding-DNA position 4283, G replaced by C.
Protein change: p.Ser1428Thr; replaces serine 1428 with threonine.
Molecular consequence: missense variant.
Genome position (GRCh38, 1-based): chr10:16,990,401, C>G on the plus strand (G>C on the coding strand, the complement: CUBN is on the minus strand). VCF-style: chr10-16990401-C-G. GRCh37 (hg19) VCF-style: chr10-17032400-C-G.
Other names: short protein forms S1428T.
Identifiers: ClinVar variation 1975606 (VCV001975606.5), dbSNP rs2491735060, ClinGen allele CA376145908.

ClinVar aggregate classification (germline): Uncertain significance (1 of 4 stars; one submission).

Conditions:
Imerslund-Grasbeck syndrome. Also called: Megaloblastic anemia due to inborn errors of metabolism; PERNICIOUS ANEMIA, JUVENILE, DUE TO SELECTIVE INTESTINAL MALABSORPTION OF VITAMIN B12, WITH PROTEINURIA; ENTEROCYTE COBALAMIN MALABSORPTION; ENTEROCYTE INTRINSIC FACTOR RECEPTOR, DEFECT OF; Imerslund-Gräsbeck syndrome. Identifiers: Orphanet 35858, MedGen C4551825, MONDO:0009853.

Submission:

Labcorp Genetics (formerly Invitae), Labcorp
Classification: Uncertain significance for Imerslund-Grasbeck syndrome. Last evaluated: 2022-06-03. Review status: criteria provided, single submitter. Criteria: Invitae Variant Classification Sherloc (09022015). Collection method: clinical testing. Allele origin: germline.
Comment: This sequence change replaces serine, which is neutral and polar, with threonine, which is neutral and polar, at codon 1428 of the CUBN protein (p.Ser1428Thr). In summary, the available evidence is currently insufficient to determine the role of this variant in disease. Therefore, it has been classified as a Variant of Uncertain Significance. Algorithms developed to predict the effect of missense changes on protein structure and function are either unavailable or do not agree on the potential impact of this missense change (SIFT: "Tolerated"; PolyPhen-2: "Possibly Damaging"; Align-GVGD: "Class C0"). This variant has not been reported in the literature in individuals affected with CUBN-related conditions. This variant is not present in population databases (gnomAD no frequency).